The following is an entry in ClinVar:

ClinVar aggregate classification (germline): Uncertain significance (1 of 4 stars; one submission).

Conditions:
Carney complex, type 1 (CNC1). Also called: CARNEY MYXOMA-ENDOCRINE COMPLEX; CARNEY COMPLEX, TYPE I. Identifiers: Orphanet 1359, MedGen C2607929, MONDO:0008057, OMIM 160980.

Allele frequency attached by ClinVar (database versions not stated): TOPMed below 0.00001.

Submission:

Labcorp Genetics (formerly Invitae), Labcorp
Classification: Uncertain significance for Carney complex, type 1. Last evaluated: 2023-06-27. Review status: criteria provided, single submitter. Criteria: Invitae Variant Classification Sherloc (09022015). Collection method: clinical testing. Allele origin: germline.
Comment: This sequence change replaces lysine, which is basic and polar, with arginine, which is basic and polar, at codon 281 of the PRKAR1A protein (p.Lys281Arg). In summary, the available evidence is currently insufficient to determine the role of this variant in disease. Therefore, it has been classified as a Variant of Uncertain Significance. Advanced modeling of protein sequence and biophysical properties (such as structural, functional, and spatial information, amino acid conservation, physicochemical variation, residue mobility, and thermodynamic stability) performed at Invitae indicates that this missense variant is not expected to disrupt PRKAR1A protein function. ClinVar contains an entry for this variant (Variation ID: 1355213). This variant has not been reported in the literature in individuals affected with PRKAR1A-related conditions. This variant is not present in population databases (gnomAD no frequency).

NM_002734.5(PRKAR1A):c.842A>G (p.Lys281Arg)

Gene: PRKAR1A (protein kinase cAMP-dependent type I regulatory subunit alpha; plus strand). Cytogenetic location: 17q24.2.
Variant type: single nucleotide variant.
Coding change: c.842A>G on transcript NM_002734.5 (MANE Select); coding-DNA position 842, A replaced by G.
Protein change: p.Lys281Arg; replaces lysine 281 with arginine.
Molecular consequence: missense variant.
Genome position (GRCh38, 1-based): chr17:68,528,942, A>G. VCF-style: chr17-68528942-A-G. GRCh37 (hg19) VCF-style: chr17-66525083-A-G.
Other names: c.842A>G, p.Lys281Arg (NM_001276289.2, NM_001276290.1, NM_001278433.2 and 4 more transcripts); short protein forms K281R.
Identifiers: ClinVar variation 1355213 (VCV001355213.8), dbSNP rs1383606243, ClinGen allele CA400753945.
Genomic context (GRCh38, chr17:68,528,942, plus strand): 5'-AGTGGGAACGTCTTACGGTAGCTGATGCATTGGAACCAGTGCAGTTTGAAGATGGGCAGA[A>G]GATTGTGGTGCAGGGAGAACCAGGGGATGAGTTCTTCATTATTTTAGAGGTAAAGAACTC-3'
Protein context (NP_002725.1, residues 271-291): LEPVQFEDGQ[Lys281Arg]IVVQGEPGDE